The following is an entry in ClinVar:

NM_000179.3(MSH6):c.2690dup (p.Asn897fs)

Gene: MSH6 (mutS homolog 6; plus strand). Cytogenetic location: 2p16.3.
Variant type: Duplication.
Coding change: c.2690dup on transcript NM_000179.3 (MANE Select); coding-DNA position 2690, one base duplicated (A; older notation c.2690dupA).
Protein change: p.Asn897fs; shifts the reading frame from asparagine 897.
Molecular consequence: frameshift variant.
Genome position (GRCh38, 1-based): chr2:47,800,673, A duplicated; the last of 6 consecutive A bases (chr2:47,800,668-47,800,673); duplicating any one gives the same sequence. VCF-style (leftmost placement, unchanged base first): chr2-47800667-C-CA. GRCh37 (hg19) VCF-style: chr2-48027806-C-CA.
Other names: c.2300dup, p.Asn767fs (NM_001281492.2); c.1784dup, p.Asn595fs (NM_001281493.2, NM_001281494.2); c.2690dupA (NM_000179.2); short protein forms N595fs, N767fs, N897fs.
Identifiers: ClinVar variation 420121 (VCV000420121.30), dbSNP rs1553414010, ClinGen allele CA16617681.

ClinVar aggregate classification (germline): Pathogenic. Review status: criteria provided, multiple submitters, no conflicts (2 of 4 stars). 10 submissions from 10 submitters: Pathogenic (9). 1 of the submissions does not count toward it. Last evaluated 2025-09-25.

Conditions:
Inherited MMR deficiency (Lynch syndrome).
Hereditary nonpolyposis colon cancer (HNPCC). Also called: Hereditary Nonpolyposis Colorectal Cancer Syndrome; Hereditary nonpolyposis colorectal cancer; Familial nonpolyposis colon cancer. Identifiers: Orphanet 443909, MedGen C1333990, MONDO:0018630. Disease mechanism: loss of function.
Hereditary nonpolyposis colorectal neoplasms. Identifiers: MedGen C0009405, MeSH D003123.
Hereditary cancer-predisposing syndrome. Also called: Hereditary neoplastic syndrome; Hereditary Cancer Syndrome; Tumor predisposition; Neoplastic Syndromes, Hereditary. Identifiers: Orphanet 140162, MedGen C0027672, MeSH D009386, MONDO:0015356.
Lynch syndrome 5 (LYNCH5). Also called: Colorectal cancer, hereditary nonpolyposis, type 5; Hereditary non-polyposis colorectal cancer, type 5. Identifiers: Orphanet 144, MedGen C1833477, MONDO:0013710, OMIM 614350. Disease mechanism: loss of function.
Carcinoma of colon (CRC). Also called: Colon carcinoma; Colonic carcinoma. Identifiers: MedGen C0699790, MONDO:0002032.
Endometrial carcinoma. Also called: Endometrial carcinoma, somatic. Identifiers: MedGen C0476089, MONDO:0002447, OMIM 608089, HP:0012114.

Submissions (10):

Genetics Laboratory, Great Ormond Street Hospital NHS Foundation Trust, North Thames Genomic Laboratory Hub
Classification: Pathogenic for Inherited MMR deficiency (Lynch syndrome). Last evaluated: 2025-09-25. Review status: criteria provided, single submitter. Criteria: CanVIG MMR Gene Specific V1.7. Collection method: clinical testing. Allele origin: germline. Affected: yes.
Comment: PM2_moderate, PVS1_very-strong, PP4_supporting

Labcorp Genetics (formerly Invitae), Labcorp
Classification: Pathogenic for Hereditary nonpolyposis colorectal neoplasms. Last evaluated: 2025-06-16. Review status: criteria provided, single submitter. Criteria: Invitae Variant Classification Sherloc (09022015). Collection method: clinical testing. Allele origin: germline.
Comment: This sequence change creates a premature translational stop signal (p.Asn897Lysfs*3) in the MSH6 gene. It is expected to result in an absent or disrupted protein product. Loss-of-function variants in MSH6 are known to be pathogenic (PMID: 18269114, 24362816). This variant is not present in population databases (gnomAD no frequency). This premature translational stop signal has been observed in individual(s) with Lynch syndrome-associated cancers (PMID: 20028993, 23047549; internal data). Invitae Evidence Modeling of clinical and family history, age, sex, and reported ancestry of multiple individuals with this MSH6 variant has been performed. This variant is expected to be pathogenic with a positive predictive value of at least 99%. This is a validated machine learning model that incorporates the clinical features of 1,627,235 individuals referred to our laboratory for MSH6 testing. This variant is also known as c.2690_2691insA. ClinVar contains an entry for this variant (Variation ID: 420121). For these reasons, this variant has been classified as Pathogenic.

Ambry Genetics
Classification: Pathogenic for Hereditary cancer-predisposing syndrome. Last evaluated: 2023-09-27. Review status: criteria provided, single submitter. Criteria: Ambry Variant Classification Scheme 2023. Collection method: clinical testing. Allele origin: germline.
Comment: The c.2690dupA pathogenic mutation, located in coding exon 4 of the MSH6 gene, results from a duplication of A at nucleotide position 2690, causing a translational frameshift with a predicted alternate stop codon (p.N897Kfs*3). This mutation has been identified in at least two individuals with Lynch syndrome-associated cancers (Baglietto L et al. J. Natl. Cancer Inst., 2010 Feb;102:193-201; Pal T et al. Br. J. Cancer, 2012 Nov;107:1783-90) and has also been identified in a proband with breast cancer ascertained via multigene panle testing (Gardner SA et al. Hered Cancer Clin Pract 2018 Jan;16:1). Of note, this alteration is also designated as c.2690_2691insA in published literature. In addition to the clinical data presented in the literature, this alteration is expected to result in loss of function by premature protein truncation or nonsense-mediated mRNA decay. As such, this alteration is interpreted as a disease-causing mutation.

Myriad Genetics, Inc.
Classification: Pathogenic for Lynch syndrome 5. Last evaluated: 2023-08-17. Review status: criteria provided, single submitter. Criteria: Myriad Autosomal Dominant, Autosomal Recessive and X-Linked Classification Criteria (2023). Collection method: clinical testing. Allele origin: unknown.
Comment: This variant is considered pathogenic. This variant creates a frameshift predicted to result in premature protein truncation.

Women's Health and Genetics/Laboratory Corporation of America, LabCorp
Classification: Pathogenic for Hereditary nonpolyposis colon cancer. Last evaluated: 2022-07-07. Review status: criteria provided, single submitter. Criteria: LabCorp Variant Classification Summary - May 2015. Collection method: clinical testing. Allele origin: germline.
Comment: Variant summary: MSH6 c.2690dupA (p.Asn897LysfsX3) results in a premature termination codon, predicted to cause a truncation of the encoded protein or absence of the protein due to nonsense mediated decay, which are commonly known mechanisms for disease. Truncations downstream of this position have been classified as pathogenic by our laboratory. The variant was absent in 250556 control chromosomes (gnomAD). c.2690dupA has been reported in the literature in individuals affected with Hereditary Nonpolyposis Colorectal Cancer (e.g. Baglietto_2010) and ovarian cancer (e.g. Pal_2012). These data indicate that the variant may be associated with disease. To our knowledge, no experimental evidence demonstrating an impact on protein function has been reported. Five clinical diagnostic laboratories have submitted clinical-significance assessments for this variant to ClinVar after 2014 and all classified the variant as pathogenic. Based on the evidence outlined above, the variant was classified as pathogenic.

Baylor Genetics
Classification: Pathogenic for Endometrial carcinoma. Last evaluated: 2022-05-12. Review status: criteria provided, single submitter. Criteria: ACMG Guidelines, 2015. Collection method: clinical testing. Allele origin: unknown.

GeneDx
Classification: Pathogenic. Last evaluated: 2020-02-27. Review status: criteria provided, single submitter. Criteria: GeneDx Variant Classification Process June 2021. Collection method: clinical testing. Allele origin: germline. Affected: yes.
Comment: Frameshift variant predicted to result in protein truncation or nonsense mediated decay in a gene for which loss-of-function is a known mechanism of disease; Not observed in large population cohorts (Lek 2016); Truncating variants in this gene are considered pathogenic by a well-established clinical consortium and/or database; Observed in individuals with personal or family history consistent with pathogenic variants in this gene (Baglietto 2010, Pal 2012); This variant is associated with the following publications: (PMID: 23047549, 20028993)

Color Diagnostics, LLC DBA Color Health
Classification: Pathogenic for Hereditary cancer-predisposing syndrome. Last evaluated: 2020-01-15. Review status: criteria provided, single submitter. Criteria: ACMG Guidelines, 2015. Collection method: clinical testing. Allele origin: germline.
Comment: This variant inserts 1 nucleotide in exon 4 of the MSH6 gene, creating a frameshift and premature translation stop signal. This variant is expected to result in an absent or non-functional protein product. This variant has not been identified in the general population by the Genome Aggregation Database (gnomAD). Loss of MSH6 function is a known mechanism of disease. Based on the available evidence, this variant is classified as Pathogenic.

Quest Diagnostics Nichols Institute San Juan Capistrano
Classification: Pathogenic. Last evaluated: 2018-09-27. Review status: criteria provided, single submitter. Criteria: Quest Diagnostics criteria. Collection method: clinical testing. Allele origin: germline.
Comment: The variant results in a shift of the reading frame, and is therefore predicted to significantly disrupt the protein structure. Found in at least one symptomatic patient, and not found in general population data.

Department of Pathology and Laboratory Medicine, Sinai Health System
Classification: Pathogenic for Carcinoma of colon. Review status: no assertion criteria provided. Collection method: clinical testing. Allele origin: unknown. Affected: yes. Study: The Canadian Open Genetics Repository (COGR). Not counted in ClinVar's aggregate classification.
Comment: The MSH6 p.Asn897Lysfsx3 variant was identified in 1 of 3786 proband chromosomes (frequency: 0.0003) from individuals or families with epithelial ovarian cancer ascertained from three population-based studies and classified as pathogenic (Pal 2012). The variant was not identified in dbSNP, NHLBI Exome Sequencing Project, Exome Aggregation Consortium (March 14, 2015), COSMIC, MutDB, â€šÃ„ÃºMismatch Repair Genes Variant â€šÃ„Ã¹, â€šÃ„ÃºMMR Gene Unclassified Variantsâ€šÃ„Ã¹, â€šÃ„ÃºInSiGHT Colon Cancerâ€šÃ„Ã¹, â€šÃ„ÃºZhejiang Colon Cancerâ€šÃ„Ã¹, the ClinVar, Clinvitae, GeneInsight COGR through the Canadian Open Genetics Repository and UMD Colon Cancer databases. The p.Asn897Lysfsx3 duplication variant is predicted to cause a frameshift, which alters the protein's amino acid sequence beginning at codon 897 and leads to a premature stop codon 3 codons downstream. This alteration is then predicted to result in a truncated or absent protein and loss of function. Loss of function variants of the MSH6 gene are an established mechanism of disease in Lynch syndrome and this is the type of variant expected to cause the disorder. In summary, based on the above information, this variant meets our laboratoryâ€šÃ„Ã´s criteria to be classified as pathogenic.

Literature cited by the submitters: PubMed 18269114 (cited by Labcorp Genetics (formerly Invitae), Labcorp); PubMed 24362816 (cited by Labcorp Genetics (formerly Invitae), Labcorp); PubMed 20028993 (cited by 4 submitters); PubMed 23047549 (cited by 4 submitters); PubMed 29345684 (cited by Quest Diagnostics Nichols Institute San Juan Capistrano).